The following is an entry in ClinVar:

ClinVar aggregate classification (germline): Uncertain significance (1 of 4 stars; one submission).

Conditions:
Spastic paraplegia. Identifiers: MedGen C0037772, HP:0001258.

Allele frequency attached by ClinVar (database versions not stated): TOPMed below 0.00001; gnomAD 0.00001; gnomAD exomes 0.00001.
gnomAD v4.1: 4 of 1,207,667 alleles (0.00033%); highest among the groups gnomAD compares: Non-Finnish European, 0.00045%; no homozygotes.

Submission:

Labcorp Genetics (formerly Invitae), Labcorp
Classification: Uncertain significance for Spastic paraplegia. Last evaluated: 2023-02-16. Review status: criteria provided, single submitter. Criteria: Invitae Variant Classification Sherloc (09022015). Collection method: clinical testing. Allele origin: germline.
Comment: This sequence change replaces glutamine, which is neutral and polar, with glutamic acid, which is acidic and polar, at codon 385 of the L1CAM protein (p.Gln385Glu). This variant is not present in population databases (gnomAD no frequency). This variant has not been reported in the literature in individuals affected with L1CAM-related conditions. Advanced modeling of protein sequence and biophysical properties (such as structural, functional, and spatial information, amino acid conservation, physicochemical variation, residue mobility, and thermodynamic stability) performed at Invitae indicates that this missense variant is not expected to disrupt L1CAM protein function. In summary, the available evidence is currently insufficient to determine the role of this variant in disease. Therefore, it has been classified as a Variant of Uncertain Significance.

NM_001278116.2(L1CAM):c.1153C>G (p.Gln385Glu)

Gene: L1CAM (L1 cell adhesion molecule; minus strand). Cytogenetic location: Xq28.
Variant type: single nucleotide variant.
Coding change: c.1153C>G on transcript NM_001278116.2 (MANE Select); coding-DNA position 1153, C replaced by G.
Protein change: p.Gln385Glu; replaces glutamine 385 with glutamic acid.
Molecular consequence: missense variant.
Genome position (GRCh38, 1-based): chrX:153,869,634, G>C on the plus strand (C>G on the coding strand, the complement: L1CAM is on the minus strand). VCF-style: chrX-153869634-G-C. GRCh37 (hg19) VCF-style: chrX-153135089-G-C.
Other names: c.1153C>G, p.Gln385Glu (NM_000425.5, NM_024003.3); c.1138C>G, p.Gln380Glu (NM_001143963.2); short protein forms Q380E, Q385E.
Identifiers: ClinVar variation 2876878 (VCV002876878.1), dbSNP rs200187371, ClinGen allele CA10554416.
Genomic context (GRCh38, chrX:153,869,634, plus strand): 5'-CACATTGGGTCACCATTGTGTCACTGGGCTGCACGTTGCTCAGGATCAGGGCGCCACGCT[G>C]AATCCGGTACTTCTGGTCTTTGGCCAGCTCTGTGCATGCAGCAGGTGGGCCCATGGGCCA-3'
Protein context (NP_001265045.1, residues 375-395): ELAKDQKYRI[Gln385Glu]RGALILSNVQ